The following is an entry in ClinVar:

ClinVar aggregate classification (germline): Pathogenic (1 of 4 stars; one submission).

Conditions:
Leber congenital amaurosis 5 (LCA5). Also called: Amaurosis congenita of Leber, type 5. Identifiers: Orphanet 65, MedGen C1858301, MONDO:0011473, OMIM 604537.

Submission:

Natera, Inc.
Classification: Pathogenic for Leber congenital amaurosis type 5. Last evaluated: 2024-09-30. Review status: criteria provided, single submitter. Criteria: Natera Variant Classification Schema (03/2026). Collection method: clinical testing. Allele origin: germline.
Comment: The c.871_872del variant in LCA5 is a frameshift variant predicted to shift the reading frame beginning at codon 291 and leads to a stop codon 9 codons downstream. This variant is expected to result in nonsense mediated decay, truncation, or a dysfunctional protein product. This variant is rare in the general population with a frequency below the threshold expected for the associated phenotype(s). This variant has been observed in one or more individuals affected with the associated recessive disease, as either homozygous or compound heterozygous with a second variant (PMID: 26047050). Given the available evidence, this variant is classified as Pathogenic.

Literature cited by the submitters: PubMed 26047050.

NM_001122769.3(LCA5):c.871_872del (p.Glu291fs)

Gene: LCA5 (lebercilin LCA5; minus strand). Cytogenetic location: 6q14.1.
Variant type: Microsatellite.
Coding change: c.871_872del on transcript NM_001122769.3 (MANE Select); coding-DNA positions 871 to 872, 2 bases deleted (GA; older notation c.871_872delGA).
Protein change: p.Glu291fs; shifts the reading frame from glutamic acid 291.
Molecular consequence: frameshift variant.
Genome position (GRCh38, 1-based): chr6:79,492,634-79,492,635, TC deleted on the plus strand (GA on the coding strand, the reverse complement: LCA5 is on the minus strand); deleting any 2 consecutive bases within chr6:79,492,634-79,492,641 gives the same sequence; the c. name uses the placement nearest the transcript's 3' end. VCF-style (leftmost placement, unchanged base first): chr6-79492633-TTC-T. GRCh37 (hg19) VCF-style: chr6-80202350-TTC-T.
Other names: c.871_872del, p.Glu291fs (NM_181714.4); short protein forms E291fs.
Identifiers: ClinVar variation 4816991 (VCV004816991.1).